The following is an entry in ClinVar:

NM_020894.4(UVSSA):c.1780C>T (p.Arg594Trp)

Gene: UVSSA (UV stimulated scaffold protein A; plus strand). Cytogenetic location: 4p16.3.
Variant type: single nucleotide variant.
Coding change: c.1780C>T on transcript NM_020894.4 (MANE Select); coding-DNA position 1780, C replaced by T.
Protein change: p.Arg594Trp; replaces arginine 594 with tryptophan.
Molecular consequence: missense variant.
Genome position (GRCh38, 1-based): chr4:1,380,907, C>T. VCF-style: chr4-1380907-C-T. GRCh37 (hg19) VCF-style: chr4-1374695-C-T.
Other names: c.1780C>T, p.Arg594Trp (NM_001317934.2, NM_001317935.2); short protein forms R594W.
Identifiers: ClinVar variation 4976396 (VCV004976396.1).

ClinVar aggregate classification (germline): Uncertain significance (1 of 4 stars; one submission).

gnomAD v4.1: 5 of 1,612,730 alleles (0.00031%); highest among the groups gnomAD compares: African/African-American, 0.0027%; no homozygotes.

Submission:

GeneDx
Classification: Uncertain significance. Last evaluated: 2026-02-14. Review status: criteria provided, single submitter. Criteria: GeneDx Variant Classification Process June 2021. Collection method: clinical testing. Allele origin: germline.
Comment: Not observed at significant frequency in large population cohorts (gnomAD); In silico analysis supports that this missense variant has a deleterious effect on protein structure/function; Has not been previously published as pathogenic or benign to our knowledge